The following is an entry in ClinVar:

ClinVar aggregate classification (germline): Uncertain significance (1 of 4 stars; one submission).

Conditions:
Hereditary cancer-predisposing syndrome. Also called: Hereditary neoplastic syndrome; Neoplastic Syndromes, Hereditary; Tumor predisposition; Hereditary Cancer Syndrome. Identifiers: Orphanet 140162, MedGen C0027672, MeSH D009386, MONDO:0015356.

Submission:

Ambry Genetics
Classification: Uncertain significance for Hereditary cancer-predisposing syndrome. Last evaluated: 2025-08-27. Review status: criteria provided, single submitter. Criteria: Ambry Variant Classification Scheme 2023. Collection method: clinical testing. Allele origin: germline.
Comment: The p.P18R variant (also known as c.53C>G), located in coding exon 2 of the MUTYH gene, results from a C to G substitution at nucleotide position 53. The proline at codon 18 is replaced by arginine, an amino acid with dissimilar properties. This amino acid position is conserved. In addition, this alteration is predicted to be tolerated by in silico analysis. Based on the available evidence, the clinical significance of this variant remains unclear.

NM_001048174.2(MUTYH):c.11C>G (p.Pro4Arg)

Gene: MUTYH (mutY DNA glycosylase; minus strand). Cytogenetic location: 1p34.1.
Variant type: single nucleotide variant.
Coding change: c.11C>G on transcript NM_001048174.2 (MANE Select); coding-DNA position 11, C replaced by G.
Protein change: p.Pro4Arg; replaces proline 4 with arginine.
Molecular consequence: missense variant. On other transcripts: 5 prime UTR variant (7), non-coding transcript variant (7).
Genome position (GRCh38, 1-based): chr1:45,334,495, G>C on the plus strand (C>G on the coding strand, the complement: MUTYH is on the minus strand). VCF-style: chr1-45334495-G-C. GRCh37 (hg19) VCF-style: chr1-45800167-G-C.
Other names: c.11C>G, p.Pro4Arg (NM_001048171.2, NM_001048172.2, NM_001048173.2 and 15 more transcripts); c.53C>G, p.Pro18Arg (NM_001128425.2, NM_001293190.2, NM_001407069.1 and 2 more transcripts); c.-202C>G (NM_001293192.2, NM_001293196.2, NM_001407091.1); c.-261C>G (NM_001350650.2); c.-197C>G (NM_001350651.2, NM_001407082.1); c.-146C>G (NM_001407075.1); c.29C>G, p.Pro10Arg (NM_001407087.1); short protein forms P4R, P18R, P10R.
Identifiers: ClinVar variation 4113719 (VCV004113719.1).